The following is an entry in ClinVar:

ClinVar aggregate classification (germline): Uncertain significance (1 of 4 stars; one submission).

Submission:

GeneDx
Classification: Uncertain significance. Last evaluated: 2026-01-22. Review status: criteria provided, single submitter. Criteria: GeneDx Variant Classification Process June 2021. Collection method: clinical testing. Allele origin: germline.
Comment: Not observed at significant frequency in large population cohorts (gnomAD); In silico analysis suggests that this missense variant does not alter protein structure/function; Has not been previously published as pathogenic or benign to our knowledge

NM_001394062.1(MACF1):c.14717A>T (p.Gln4906Leu)

Genes: MACF1 (microtubule actin crosslinking factor 1; plus strand), LOC114803468 (MACF1 eExon liver enhancer; plus strand). Cytogenetic location: 1p34.3.
Variant type: single nucleotide variant.
Coding change: c.14717A>T on transcript NM_001394062.1 (MANE Select); coding-DNA position 14717, A replaced by T.
Protein change: p.Gln4906Leu; replaces glutamine 4906 with leucine.
Molecular consequence: missense variant.
Genome position (GRCh38, 1-based): chr1:39,387,559, A>T. VCF-style: chr1-39387559-A-T. GRCh37 (hg19) VCF-style: chr1-39853231-A-T.
Other names: c.8531A>T, p.Gln2844Leu (NM_012090.5); short protein forms Q2844L, Q4906L.
Identifiers: ClinVar variation 4975495 (VCV004975495.1).